The following is an entry in ClinVar:

NM_001009944.3(PKD1):c.5005T>G (p.Trp1669Gly)

Gene: PKD1 (polycystin 1, transient receptor potential channel interacting; minus strand). Cytogenetic location: 16p13.3.
Variant type: single nucleotide variant.
Coding change: c.5005T>G on transcript NM_001009944.3 (MANE Select); coding-DNA position 5005, T replaced by G.
Protein change: p.Trp1669Gly; replaces tryptophan 1669 with glycine.
Molecular consequence: missense variant.
Genome position (GRCh38, 1-based): chr16:2,110,162, A>C on the plus strand (T>G on the coding strand, the complement: PKD1 is on the minus strand). VCF-style: chr16-2110162-A-C. GRCh37 (hg19) VCF-style: chr16-2160163-A-C.
Other names: c.5005T>G, p.Trp1669Gly (NM_000296.4); short protein forms W1669G.
Identifiers: ClinVar variation 1706226 (VCV001706226.2), dbSNP rs774984754, ClinGen allele CA7832163.

ClinVar aggregate classification (germline): Uncertain significance (1 of 4 stars; one submission).

Allele frequency attached by ClinVar (database versions not stated): gnomAD exomes below 0.00001; ExAC 0.00001.

Submission:

GeneDx
Classification: Uncertain significance. Last evaluated: 2022-03-15. Review status: criteria provided, single submitter. Criteria: GeneDx Variant Classification Process June 2021. Collection method: clinical testing. Allele origin: germline. Affected: yes.
Comment: Not observed at significant frequency in large population cohorts (gnomAD); In silico analysis supports that this missense variant does not alter protein structure/function; Has not been previously published as pathogenic or benign to our knowledge